The following is an entry in ClinVar:

NM_152296.5(ATP1A3):c.2974_2985del (p.Asp992_Arg995del)

Gene: ATP1A3 (ATPase Na+/K+ transporting subunit alpha 3; minus strand). Cytogenetic location: 19q13.2.
Variant type: Deletion.
Coding change: c.2974_2985del on transcript NM_152296.5 (MANE Select); coding-DNA positions 2974 to 2985, 12 bases deleted (GACGAAATCCGC).
Protein change: p.Asp992_Arg995del.
Molecular consequence: inframe deletion.
Genome position (GRCh38, 1-based): chr19:41,967,277-41,967,288, GCGGATTTCGTC deleted on the plus strand (GACGAAATCCGC on the coding strand, the reverse complement: ATP1A3 is on the minus strand); deleting any 12 consecutive bases within chr19:41,967,277-41,967,289 gives the same sequence; the c. name uses the placement nearest the transcript's 3' end. VCF-style (leftmost placement, unchanged base first): chr19-41967276-TGCGGATTTCGTC-T. GRCh37 (hg19) VCF-style: chr19-42471428-TGCGGATTTCGTC-T.
Other names: c.3007_3018del, p.Asp1003_Arg1006del (NM_001256213.2); c.3013_3024del, p.Asp1005_Arg1008del (NM_001256214.2).
Identifiers: ClinVar variation 5008014 (VCV005008014.1).

ClinVar aggregate classification (germline): Uncertain significance (1 of 4 stars; one submission).

Submission:

GeneDx
Classification: Uncertain significance. Last evaluated: 2026-02-27. Review status: criteria provided, single submitter. Criteria: GeneDx Variant Classification Process June 2021. Collection method: clinical testing. Allele origin: germline.
Comment: Not observed at significant frequency in large population cohorts (gnomAD); In-frame deletion of 4 amino acids in a non-repeat region; In silico analysis suggests that this variant does not alter protein structure/function; Has not been previously published as pathogenic or benign to our knowledge